The following is an entry in ClinVar:

ClinVar aggregate classification (germline): Uncertain significance. Review status: criteria provided, multiple submitters, no conflicts (2 of 4 stars). 4 submissions from 4 submitters: Uncertain significance (3). 1 of the submissions does not count toward it. Last evaluated 2024-12-10.

Conditions:
Cardiovascular phenotype. Identifiers: MedGen CN230736.
Arrhythmogenic cardiomyopathy with wooly hair and keratoderma. Also called: Dilated cardiomyopathy with woolly hair and keratoderma; Arrhythmogenic cardiomyopathy with woolly hair and keratoderma; PALMOPLANTAR KERATODERMA WITH LEFT VENTRICULAR CARDIOMYOPATHY AND WOOLLY HAIR; Carvajal syndrome. Identifiers: Orphanet 65282, MedGen C1854063, MONDO:0011581, OMIM 605676.
Arrhythmogenic right ventricular dysplasia 8 (ARVD8). Also called: Arrhythmogenic Right Ventricular Dysplasia/Cardiomyopathy 8; ARRHYTHMOGENIC RIGHT VENTRICULAR DYSPLASIA, FAMILIAL, 8; ARRHYTHMOGENIC RIGHT VENTRICULAR CARDIOMYOPATHY 8. Identifiers: MedGen C1843896, MONDO:0011831, OMIM 607450.
Cardiomyopathy (CMYO). Also called: Cardiomyopathies. Identifiers: Orphanet 167848, MedGen C0878544, MONDO:0004994, HP:0001638. Inheritance: Various modes of inheritance.

Allele frequency attached by ClinVar (database versions not stated): gnomAD exomes below 0.00001; TOPMed below 0.00001.
gnomAD v4.1: 7 of 1,614,108 alleles (0.00043%); highest among the groups gnomAD compares: Non-Finnish European, 0.00051%; no homozygotes.

Submissions (4):

Color Diagnostics, LLC DBA Color Health
Classification: Uncertain significance for Cardiomyopathy. Last evaluated: 2024-12-10. Review status: criteria provided, single submitter. Criteria: ACMG Guidelines, 2015. Collection method: clinical testing. Allele origin: germline.
Comment: This missense variant replaces alanine with valine at codon 1047 of the DSP protein. Computational prediction suggests that this variant may not impact protein structure and function. To our knowledge, functional studies have not been reported for this variant. This variant has not been reported in individuals affected with cardiovascular disorders in the literature. This variant has not been identified in the general population by the Genome Aggregation Database (gnomAD). The available evidence is insufficient to determine the role of this variant in disease conclusively. Therefore, this variant is classified as a Variant of Uncertain Significance.

Labcorp Genetics (formerly Invitae), Labcorp
Classification: Uncertain significance for Arrhythmogenic cardiomyopathy with wooly hair and keratoderma; Arrhythmogenic right ventricular dysplasia 8. Last evaluated: 2023-08-27. Review status: criteria provided, single submitter. Criteria: Invitae Variant Classification Sherloc (09022015). Collection method: clinical testing. Allele origin: germline.
Comment: ClinVar contains an entry for this variant (Variation ID: 44891). An algorithm developed to predict the effect of missense changes on protein structure and function (PolyPhen-2) suggests that this variant is likely to be disruptive. In summary, the available evidence is currently insufficient to determine the role of this variant in disease. Therefore, it has been classified as a Variant of Uncertain Significance. This variant is not present in population databases (gnomAD no frequency). This variant has not been reported in the literature in individuals affected with DSP-related conditions. This sequence change replaces alanine, which is neutral and non-polar, with valine, which is neutral and non-polar, at codon 1047 of the DSP protein (p.Ala1047Val).

Ambry Genetics
Classification: Uncertain significance for Cardiovascular phenotype. Last evaluated: 2018-07-27. Review status: criteria provided, single submitter. Criteria: Ambry Variant Classification Scheme 2023. Collection method: clinical testing. Allele origin: germline.

Laboratory for Molecular Medicine, Mass General Brigham Personalized Medicine
Classification: Uncertain significance. Last evaluated: 2009-06-15. Review status: no assertion criteria provided. Collection method: clinical testing. Allele origin: germline. Observed: 1 variant allele. Not counted in ClinVar's aggregate classification.

NM_004415.4(DSP):c.3140C>T (p.Ala1047Val)

Gene: DSP (desmoplakin; plus strand). Cytogenetic location: 6p24.3.
Variant type: single nucleotide variant.
Coding change: c.3140C>T on transcript NM_004415.4 (MANE Select); coding-DNA position 3140, C replaced by T.
Protein change: p.Ala1047Val; replaces alanine 1047 with valine.
Molecular consequence: missense variant.
Genome position (GRCh38, 1-based): chr6:7,579,330, C>T. VCF-style: chr6-7579330-C-T. GRCh37 (hg19) VCF-style: chr6-7579563-C-T.
Other names: c.3140C>T, p.Ala1047Val (NM_001008844.3, NM_001319034.2); short protein forms A1047V.
Identifiers: ClinVar variation 44891 (VCV000044891.15), dbSNP rs397516931, ClinGen allele CA005749.